The following is an entry in ClinVar:

ClinVar aggregate classification (germline): Uncertain significance. Review status: criteria provided, multiple submitters, no conflicts (2 of 4 stars). 2 submissions from 2 submitters: Uncertain significance (2). Last evaluated 2023-07-14.

Conditions:
Epileptic encephalopathy. Identifiers: MedGen C0543888, HP:0200134.
RYR3-related Epileptic encephalopathy.

Allele frequency attached by ClinVar (database versions not stated): ExAC 0.00001; gnomAD exomes 0.00001; gnomAD 0.00002; TOPMed 0.00002.
gnomAD v4.1: 12 of 1,604,710 alleles (0.00075%); highest among the groups gnomAD compares: Admixed American, 0.012%; no homozygotes.

Submissions (2):

Labcorp Genetics (formerly Invitae), Labcorp
Classification: Uncertain significance for Epileptic encephalopathy. Last evaluated: 2023-07-14. Review status: criteria provided, single submitter. Criteria: Invitae Variant Classification Sherloc (09022015). Collection method: clinical testing. Allele origin: germline.
Comment: This sequence change replaces valine, which is neutral and non-polar, with isoleucine, which is neutral and non-polar, at codon 186 of the RYR3 protein (p.Val186Ile). This variant is present in population databases (rs761547558, gnomAD 0.007%). In summary, the available evidence is currently insufficient to determine the role of this variant in disease. Therefore, it has been classified as a Variant of Uncertain Significance. Algorithms developed to predict the effect of missense changes on protein structure and function output the following: SIFT: "Not Available"; PolyPhen-2: "Benign"; Align-GVGD: "Not Available". The isoleucine amino acid residue is found in multiple mammalian species, which suggests that this missense change does not adversely affect protein function. ClinVar contains an entry for this variant (Variation ID: 658143). This variant has not been reported in the literature in individuals affected with RYR3-related conditions.

New York Genome Center
Classification: Uncertain significance for RYR3-related Epileptic Encephalopathy. Last evaluated: 2019-12-13. Review status: criteria provided, single submitter. Criteria: NYGC Assertion Criteria 2020. Collection method: clinical testing. Allele origin: germline. Observed: 1 heterozygote. Study: CSER-NYCKidSeq.

NM_001036.6(RYR3):c.556G>A (p.Val186Ile)

Gene: RYR3 (ryanodine receptor 3; plus strand). Cytogenetic location: 15q14.
Variant type: single nucleotide variant.
Coding change: c.556G>A on transcript NM_001036.6 (MANE Select); coding-DNA position 556, G replaced by A.
Protein change: p.Val186Ile; replaces valine 186 with isoleucine.
Molecular consequence: missense variant.
Genome position (GRCh38, 1-based): chr15:33,540,800, G>A. VCF-style: chr15-33540800-G-A. GRCh37 (hg19) VCF-style: chr15-33833001-G-A.
Other names: c.556G>A, p.Val186Ile (NM_001243996.4); short protein forms V186I.
Identifiers: ClinVar variation 658143 (VCV000658143.13), dbSNP rs761547558, ClinGen allele CA7457854.